The following is an entry in ClinVar:

ClinVar aggregate classification (germline): Likely pathogenic (1 of 4 stars; one submission).

Conditions:
Familial thoracic aortic aneurysm and aortic dissection (TAAD). Also called: Thoracic aortic aneurysms and dissections. Identifiers: Orphanet 91387, MedGen C4707243, MONDO:0019625.
Marfan syndrome (MFS). Also called: Marfan syndrome, classic; Marfan syndrome type 1; Marfan's syndrome; FBN1-Related Marfan Syndrome; MARFAN SYNDROME, TYPE I. Identifiers: Orphanet 284963, Orphanet 558, MedGen C0024796, MONDO:0007947, OMIM 154700.

Submission:

Labcorp Genetics (formerly Invitae), Labcorp
Classification: Likely pathogenic for Marfan syndrome; Familial thoracic aortic aneurysm and aortic dissection. Last evaluated: 2019-07-31. Review status: criteria provided, single submitter. Criteria: Invitae Variant Classification Sherloc (09022015). Collection method: clinical testing. Allele origin: germline.
Comment: This variant affects a cysteine residue in the EGF-like, TGFBP or hybrid motif domains of FBN1. Cysteine residues are believed to be involved in intramolecular disulfide bridges and have been shown to be important for FBN1 protein structure (PMID: 16905551, 19349279). In addition, missense substitutions affecting cysteine residues within these domains are significantly overrepresented among patients with Marfan syndrome (PMID: 16571647, 17701892). In summary, the currently available evidence indicates that the variant is pathogenic, but additional data are needed to prove that conclusively. Therefore, this variant has been classified as Likely Pathogenic. This variant disrupts the p.Cys1989 amino acid residue in FBN1. Other variant(s) that disrupt this residue have been observed in individuals with FBN1-related conditions (PMID: 27906200), which suggests that this may be a clinically significant amino acid residue. Algorithms developed to predict the effect of missense changes on protein structure and function are either unavailable or do not agree on the potential impact of this missense change (SIFT: "Tolerated"; PolyPhen-2: "Possibly Damaging"; Align-GVGD: "Class C0"). This variant is not present in population databases (ExAC no frequency). This sequence change replaces cysteine with glycine at codon 1989 of the FBN1 protein (p.Cys1989Gly). The cysteine residue is highly conserved and there is a large physicochemical difference between cysteine and glycine.

Literature cited by the submitters: PubMed 16905551; PubMed 19349279; PubMed 16571647; PubMed 17701892; PubMed 27906200.

NM_000138.5(FBN1):c.5965T>G (p.Cys1989Gly)

Gene: FBN1 (fibrillin 1; minus strand). Cytogenetic location: 15q21.1.
Variant type: single nucleotide variant.
Coding change: c.5965T>G on transcript NM_000138.5 (MANE Select); coding-DNA position 5965, T replaced by G.
Protein change: p.Cys1989Gly; replaces cysteine 1989 with glycine.
Molecular consequence: missense variant.
Genome position (GRCh38, 1-based): chr15:48,444,613, A>C on the plus strand (T>G on the coding strand, the complement: FBN1 is on the minus strand). VCF-style: chr15-48444613-A-C. GRCh37 (hg19) VCF-style: chr15-48736810-A-C.
Other names: short protein forms C1989G.
Identifiers: ClinVar variation 940889 (VCV000940889.9), dbSNP rs2043139988, ClinGen allele CA392339804.